The following is an entry in ClinVar:

NM_177438.3(DICER1):c.1082A>G (p.Glu361Gly)

Gene: DICER1 (dicer 1, ribonuclease III; minus strand). Cytogenetic location: 14q32.13.
Variant type: single nucleotide variant.
Coding change: c.1082A>G on transcript NM_177438.3 (MANE Select); coding-DNA position 1082, A replaced by G.
Protein change: p.Glu361Gly; replaces glutamic acid 361 with glycine.
Molecular consequence: missense variant.
Genome position (GRCh38, 1-based): chr14:95,124,490, T>C on the plus strand (A>G on the coding strand, the complement: DICER1 is on the minus strand). VCF-style: chr14-95124490-T-C. GRCh37 (hg19) VCF-style: chr14-95590827-T-C.
Other names: c.1082A>G, p.Glu361Gly (NM_001195573.1, NM_001271282.3, NM_001291628.2 and 1 more transcripts); short protein forms E361G.
Identifiers: ClinVar variation 971554 (VCV000971554.11), dbSNP rs1893226548, ClinGen allele CA390886998.
Genomic context (GRCh38, chr14:95,124,490, plus strand): 5'-AGCAGTTTGATTACTTTAGGAGTTACAAATTTCAGGTCAAGTGAGGCAGGTGAGAAGTGC[T>C]CTTCACATAGTGCATGTATTTTCCTTAGGAAAGTGTCTGTAAACAATAAAAATTTCCTGT-3'
Protein context (NP_803187.1, residues 351-371): FLRKIHALCE[Glu361Gly]HFSPASLDLK

ClinVar aggregate classification (germline): Uncertain significance (1 of 4 stars; one submission).

Conditions:
DICER1-related tumor predisposition. Also called: DICER1-related pleuropulmonary blastoma cancer predisposition syndrome; DICER1 syndrome. Identifiers: Orphanet 284343, MedGen C3839822, MONDO:0100216.

Submission:

Labcorp Genetics (formerly Invitae), Labcorp
Classification: Uncertain significance for DICER1-related tumor predisposition. Last evaluated: 2020-10-09. Review status: criteria provided, single submitter. Criteria: Invitae Variant Classification Sherloc (09022015). Collection method: clinical testing. Allele origin: germline.
Comment: In summary, the available evidence is currently insufficient to determine the role of this variant in disease. Therefore, it has been classified as a Variant of Uncertain Significance. Algorithms developed to predict the effect of missense changes on protein structure and function are either unavailable or do not agree on the potential impact of this missense change (SIFT: "Tolerated"; PolyPhen-2: "Probably Damaging"; Align-GVGD: "Class C0"). This variant has not been reported in the literature in individuals with DICER1-related conditions. This variant is not present in population databases (ExAC no frequency). This sequence change replaces glutamic acid with glycine at codon 361 of the DICER1 protein (p.Glu361Gly). The glutamic acid residue is highly conserved and there is a moderate physicochemical difference between glutamic acid and glycine.